The following is an entry in ClinVar:

ClinVar aggregate classification (germline): Benign/Likely benign. Review status: criteria provided, multiple submitters, no conflicts (2 of 4 stars). 8 submissions from 8 submitters: Benign (4); Likely benign (3). 1 of the submissions does not count toward it. Last evaluated 2026-02-01.

Conditions:
Familial hypokalemia-hypomagnesemia (GTLMNS). Also called: gitelman syndrome; HYPOMAGNESEMIA-HYPOKALEMIA, PRIMARY RENOTUBULAR, WITH HYPOCALCIURIA; POTASSIUM AND MAGNESIUM DEPLETION. Identifiers: Orphanet 358, MedGen C0268450, MONDO:0009904, OMIM 263800.

Allele frequency attached by ClinVar (database versions not stated): gnomAD exomes 0.00051 and 0.00138; ExAC 0.00167; gnomAD 0.00493 and 0.00523; 1000 Genomes Project 0.00519; ESP Exome Variant Server 0.00554; TOPMed 0.00565; 1000 Genomes Project 30x 0.00578.
gnomAD v4.1: 1,559 of 1,613,528 alleles (0.097%); highest among the groups gnomAD compares: African/African-American, 1.7%; 16 homozygotes.

Submissions (8):

Labcorp Genetics (formerly Invitae), Labcorp
Classification: Benign. Last evaluated: 2026-02-01. Review status: criteria provided, single submitter. Criteria: Invitae Variant Classification Sherloc (09022015). Collection method: clinical testing. Allele origin: germline.

Mayo Clinic Laboratories, Mayo Clinic
Classification: Benign. Last evaluated: 2023-12-22. Review status: criteria provided, single submitter. Criteria: ACMG Guidelines, 2015. Collection method: clinical testing. Allele origin: germline. Observed: 2 variant alleles.
Comment: BS1, BS2, BP4, BP7

Genome-Nilou Lab
Classification: Benign for Familial hypokalemia-hypomagnesemia. Last evaluated: 2021-07-15. Review status: criteria provided, single submitter. Criteria: ACMG Guidelines, 2015. Collection method: clinical testing. Allele origin: germline. Affected: no.

GeneDx
Classification: Likely benign. Last evaluated: 2021-05-27. Review status: criteria provided, single submitter. Criteria: GeneDx Variant Classification Process June 2021. Collection method: clinical testing. Allele origin: germline. Affected: yes.

Athena Diagnostics
Classification: Benign. Last evaluated: 2018-09-28. Review status: criteria provided, single submitter. Criteria: Athena Diagnostics Criteria. Collection method: clinical testing. Allele origin: germline.

Illumina Laboratory Services, Illumina
Classification: Likely benign for Familial hypokalemia-hypomagnesemia. Last evaluated: 2018-01-12. Review status: criteria provided, single submitter. Criteria: ICSL Variant Classification Criteria 13 December 2019. Collection method: clinical testing. Allele origin: germline.
Comment: This variant was observed in the ICSL laboratory as part of a predisposition screen in an ostensibly healthy population. It had not been previously curated by ICSL or reported in the Human Gene Mutation Database (HGMD: prior to June 1st, 2018), and was therefore a candidate for classification through an automated scoring system. Utilizing variant allele frequency, disease prevalence and penetrance estimates, and inheritance mode, an automated score was calculated to assess if this variant is too frequent to cause the disease. Based on the score and internal cut-off values, a variant classified as likely benign is not then subjected to further curation. The score for this variant resulted in a classification of likely benign for this disease.

Breakthrough Genomics
Classification: Likely benign. Review status: criteria provided, single submitter. Criteria: ACMG Guidelines, 2015. Collection method: not provided. Allele origin: germline. Inheritance: Autosomal recessive inheritance. Affected: yes.

Natera, Inc.
Classification: Benign for Gitelman syndrome. Last evaluated: 2019-11-11. Review status: no assertion criteria provided. Collection method: clinical testing. Allele origin: germline. Not counted in ClinVar's aggregate classification.

NM_001126108.2(SLC12A3):c.774C>T (p.Asn258=)

Gene: SLC12A3 (solute carrier family 12 member 3; plus strand). Cytogenetic location: 16q13.
Variant type: single nucleotide variant.
Coding change: c.774C>T on transcript NM_001126108.2 (MANE Select); coding-DNA position 774, C replaced by T.
Protein change: p.Asn258=; no amino-acid change (asparagine 258 retained).
Molecular consequence: synonymous variant.
Genome position (GRCh38, 1-based): chr16:56,870,658, C>T. VCF-style: chr16-56870658-C-T. GRCh37 (hg19) VCF-style: chr16-56904570-C-T.
Other names: p.Asn258=; c.774C>T, p.Asn258= (NM_000339.3); c.771C>T, p.Asn257= (NM_001126107.2).
Identifiers: ClinVar variation 319894 (VCV000319894.23), dbSNP rs111578437, ClinGen allele CA8069202.